The following is an entry in ClinVar:

ClinVar aggregate classification (germline): Uncertain significance. Review status: criteria provided, multiple submitters, no conflicts (2 of 4 stars). 2 submissions from 2 submitters: Uncertain significance (2). Last evaluated 2026-02-26.

Conditions:
Hereditary cancer-predisposing syndrome. Also called: Tumor predisposition; Hereditary neoplastic syndrome; Hereditary Cancer Syndrome; Neoplastic Syndromes, Hereditary. Identifiers: Orphanet 140162, MedGen C0027672, MeSH D009386, MONDO:0015356.

Submissions (2):

Ambry Genetics
Classification: Uncertain significance for Hereditary cancer-predisposing syndrome. Last evaluated: 2026-02-26. Review status: criteria provided, single submitter. Criteria: Ambry Variant Classification Scheme 2023. Collection method: clinical testing. Allele origin: germline.
Comment: The p.S433T variant (also known as c.1297T>A), located in coding exon 8 of the MSH3 gene, results from a T to A substitution at nucleotide position 1297. The serine at codon 433 is replaced by threonine, an amino acid with similar properties. This amino acid position is conserved. In addition, the in silico prediction for this alteration is inconclusive. Based on the available evidence, the clinical significance of this variant remains unclear.

Labcorp Genetics (formerly Invitae), Labcorp
Classification: Uncertain significance. Last evaluated: 2023-07-24. Review status: criteria provided, single submitter. Criteria: Invitae Variant Classification Sherloc (09022015). Collection method: clinical testing. Allele origin: germline.
Comment: In summary, the available evidence is currently insufficient to determine the role of this variant in disease. Therefore, it has been classified as a Variant of Uncertain Significance. An algorithm developed to predict the effect of missense changes on protein structure and function (PolyPhen-2) suggests that this variant is likely to be disruptive. ClinVar contains an entry for this variant (Variation ID: 958170). This variant has not been reported in the literature in individuals affected with MSH3-related conditions. This variant is not present in population databases (gnomAD no frequency). This sequence change replaces serine, which is neutral and polar, with threonine, which is neutral and polar, at codon 433 of the MSH3 protein (p.Ser433Thr).

NM_002439.5(MSH3):c.1297T>A (p.Ser433Thr)

Gene: MSH3 (mutS homolog 3; plus strand). Cytogenetic location: 5q14.1.
Variant type: single nucleotide variant.
Coding change: c.1297T>A on transcript NM_002439.5 (MANE Select); coding-DNA position 1297, T replaced by A.
Protein change: p.Ser433Thr; replaces serine 433 with threonine.
Molecular consequence: missense variant.
Genome position (GRCh38, 1-based): chr5:80,679,050, T>A. VCF-style: chr5-80679050-T-A. GRCh37 (hg19) VCF-style: chr5-79974869-T-A.
Other names: c.1297T>A (NM_002439.3); short protein forms S433T.
Identifiers: ClinVar variation 958170 (VCV000958170.10), dbSNP rs1391263628, ClinGen allele CA360269063.
Genomic context (GRCh38, chr5:80,679,050, plus strand): 5'-GAGCTAGAAACCCGGATGTCAAGCCTGCAGCCAGTAGAGCTGCTGCTTCCTTCGGCCTTG[T>A]CCGAGCAAACAGAGGCGCTCATCCACAGAGCCACATCTGTTAGGTAAGTTGGCACATCAC-3'
Protein context (NP_002430.3, residues 423-443): PVELLLPSAL[Ser433Thr]EQTEALIHRA